The following is an entry in ClinVar:

NM_000939.4(POMC):c.180G>T (p.Met60Ile)

Genes: POMC (proopiomelanocortin; minus strand), LOC129933280 (ATAC-STARR-seq lymphoblastoid silent region 11244; plus strand). Cytogenetic location: 2p23.3.
Variant type: single nucleotide variant.
Coding change: c.180G>T on transcript NM_000939.4 (MANE Select); coding-DNA position 180, G replaced by T.
Protein change: p.Met60Ile; replaces methionine 60 with isoleucine.
Molecular consequence: missense variant.
Genome position (GRCh38, 1-based): chr2:25,161,705, C>A on the plus strand (G>T on the coding strand, the complement: POMC is on the minus strand). VCF-style: chr2-25161705-C-A. GRCh37 (hg19) VCF-style: chr2-25384574-C-A.
Other names: c.180G>T, p.Met60Ile (NM_001035256.3, NM_001319204.2, NM_001319205.2); short protein forms M60I.
Identifiers: ClinVar variation 4999036 (VCV004999036.1).
Genomic context (GRCh38, chr2:25,161,705, plus strand): 5'-GCCCATGACGTACTTCCGGGGGTTCTCGGTCAGAGGCTGCTCGTCGCCATTTCCCGGGAA[C>A]ATGGGAGTCTCGGCCGAGAGGTCGGGCTTGCAGGCCCGGATGCACTCCTGGGGGAAGACG-3'
Protein context (NP_000930.1, residues 50-70): CKPDLSAETP[Met60Ile]FPGNGDEQPL

ClinVar aggregate classification (germline): Uncertain significance (1 of 4 stars; one submission).

Conditions:
POMC-related disorder. Also called: POMC-related condition; POMC-related disorders.

Submission:

PreventionGenetics, part of Exact Sciences
Classification: Uncertain significance for POMC-related condition. Last evaluated: 2025-02-11. Review status: criteria provided, single submitter. Criteria: ACMG Guidelines, 2015. Collection method: clinical testing. Allele origin: germline.
Comment: The POMC c.180G>T variant is predicted to result in the amino acid substitution p.Met60Ile. This variant was observed in a cohort of individuals with obesity, and in vitro functional studies showed this variant did not reduce protein function and could cause increased function (Supplemental Data Set 3, Shah et al. 2023. PubMed ID: 36864747). This variant has not been reported in a large population database (gnomAD), indicating this variant is rare. At this time, the clinical significance of this variant is uncertain due to the absence of conclusive functional and genetic evidence.